The following is an entry in ClinVar:

NM_001009944.3(PKD1):c.9694A>G (p.Lys3232Glu)

Gene: PKD1 (polycystin 1, transient receptor potential channel interacting; minus strand). Cytogenetic location: 16p13.3.
Variant type: single nucleotide variant.
Coding change: c.9694A>G on transcript NM_001009944.3 (MANE Select); coding-DNA position 9694, A replaced by G.
Protein change: p.Lys3232Glu; replaces lysine 3232 with glutamic acid.
Molecular consequence: missense variant.
Genome position (GRCh38, 1-based): chr16:2,100,184, T>C on the plus strand (A>G on the coding strand, the complement: PKD1 is on the minus strand). VCF-style: chr16-2100184-T-C. GRCh37 (hg19) VCF-style: chr16-2150185-T-C.
Other names: c.9694A>G, p.Lys3232Glu (NM_000296.4); short protein forms K3232E.
Identifiers: ClinVar variation 994126 (VCV000994126.8), dbSNP rs2092034761, ClinGen allele CA394354893.

ClinVar aggregate classification (germline): Uncertain significance (1 of 4 stars; one submission).

Conditions:
Polycystic kidney disease, adult type (PKD1). Also called: Polycystic Kidney Disease 1, Autosomal Dominant; Polycystic kidney disease 1; Polycystic kidney disease 1, severe; POLYCYSTIC KIDNEY DISEASE, ADULT, TYPE I; POLYCYSTIC KIDNEY DISEASE 1 WITH OR WITHOUT POLYCYSTIC LIVER DISEASE; Polycystic Kidney, Autosomal Dominant. Identifiers: MedGen C3149841, MONDO:0008263, OMIM 173900.

Allele frequency attached by ClinVar (database versions not stated): TOPMed below 0.00001.

Submission:

ARUP Laboratories, Molecular Genetics and Genomics, ARUP Laboratories
Classification: Uncertain significance for Polycystic kidney disease, adult type. Last evaluated: 2020-02-26. Review status: criteria provided, single submitter. Criteria: ARUP Molecular Germline Variant Investigation Process. Collection method: clinical testing. Allele origin: germline.
Comment: The PKD1 c.9694A>G; p.Lys3232Glu variant is reported in the literature in at least one individual affected with autosomal dominant polycystic kidney disease who carried another PKD1 variant (Rossetti 2012). The p.Lys3232Glu variant is absent from general population databases (Exome Variant Server, Genome Aggregation Database), indicating it is not a common polymorphism. The lysine at codon 3232 is highly conserved, and computational analyses (SIFT: tolerated, PolyPhen-2: possibly damaging) predict conflicting effects of this variant on protein structure/function. Due to limited information, the clinical significance of the p.Lys3232Glu variant is uncertain at this time. References: Rossetti S et al. Identification of gene mutations in autosomal dominant polycystic kidney disease through targeted resequencing. J Am Soc Nephrol. 2012 May;23(5):915-33.